The following is an entry in ClinVar:

NM_004304.5(ALK):c.4181A>G (p.Asn1394Ser)

Gene: ALK (ALK receptor tyrosine kinase; minus strand). Cytogenetic location: 2p23.2.
Variant type: single nucleotide variant.
Coding change: c.4181A>G on transcript NM_004304.5 (MANE Select); coding-DNA position 4181, A replaced by G.
Protein change: p.Asn1394Ser; replaces asparagine 1394 with serine.
Molecular consequence: missense variant.
Genome position (GRCh38, 1-based): chr2:29,193,906, T>C on the plus strand (A>G on the coding strand, the complement: ALK is on the minus strand). VCF-style: chr2-29193906-T-C. GRCh37 (hg19) VCF-style: chr2-29416772-T-C.
Other names: c.977A>G, p.Asn326Ser (NM_001353765.2); short protein forms N326S, N1394S.
Identifiers: ClinVar variation 3285321 (VCV003285321.1).

ClinVar aggregate classification (germline): Uncertain significance (1 of 4 stars; one submission).

Conditions:
Hereditary cancer-predisposing syndrome. Also called: Tumor predisposition; Hereditary Cancer Syndrome; Hereditary neoplastic syndrome; Neoplastic Syndromes, Hereditary. Identifiers: Orphanet 140162, MedGen C0027672, MeSH D009386, MONDO:0015356.

gnomAD v4.1: 1 of 1,614,194 alleles (0.000062%); highest among the groups gnomAD compares: Non-Finnish European, 0.000085%; no homozygotes.

Submission:

Ambry Genetics
Classification: Uncertain significance for Hereditary cancer-predisposing syndrome. Last evaluated: 2024-05-18. Review status: criteria provided, single submitter. Criteria: Ambry Variant Classification Scheme 2023. Collection method: clinical testing. Allele origin: germline.
Comment: The p.N1394S variant (also known as c.4181A>G), located in coding exon 29 of the ALK gene, results from an A to G substitution at nucleotide position 4181. The asparagine at codon 1394 is replaced by serine, an amino acid with highly similar properties. This amino acid position is conserved. In addition, this alteration is predicted to be tolerated by in silico analysis. Based on the available evidence, the clinical significance of this variant remains unclear.